The following is an entry in ClinVar:

ClinVar aggregate classification (germline): Pathogenic. Review status: criteria provided, single submitter (1 of 4 stars). 2 submissions from 1 submitter: Pathogenic (2). Last evaluated 2021-08-27.

Conditions:
Beckwith-Wiedemann syndrome (BWS). Also called: EMG SYNDROME; Exomphalos macroglossia gigantism syndrome. Identifiers: Orphanet 116, MedGen C0004903, MONDO:0007534, OMIM 130650.
Sotos syndrome (SOTOS). Also called: Distinctive facial appearance, overgrowth in childhood, and learning disabilities or delayed development; CEREBRAL GIGANTISM; Sotos' syndrome; CHROMOSOME 5q35 DELETION SYNDROME; SOTOS SYNDROME 1. Identifiers: Orphanet 821, MedGen C0175695, MONDO:0019349, OMIM 117550.

Submissions (2):

Labcorp Genetics (formerly Invitae), Labcorp
Classification: Pathogenic. Last evaluated: 2021-08-27. Review status: criteria provided, single submitter. Criteria: Invitae Variant Classification Sherloc (09022015). Collection method: clinical testing. Allele origin: germline.
Comment: This sequence change creates a premature translational stop signal (p.His779Thrfs*30) in the NSD1 gene. It is expected to result in an absent or disrupted protein product. Loss-of-function variants in NSD1 are known to be pathogenic (PMID: 12464997, 14571271, 15942875, 16247291). This variant is not present in population databases (ExAC no frequency). This premature translational stop signal has been observed in individual(s) with Sotos syndrome (PMID: 16232326). For these reasons, this variant has been classified as Pathogenic.

Labcorp Genetics (formerly Invitae), Labcorp
Classification: Pathogenic for Beckwith-Wiedemann syndrome. Last evaluated: 2017-10-16. Review status: criteria provided, single submitter. Criteria: Invitae Variant Classification Sherloc (09022015). Collection method: clinical testing. Allele origin: germline.
Comment: This sequence change creates a premature translational stop signal (p.His779Thrfs*30) in the NSD1 gene. It is expected to result in an absent or disrupted protein product. This variant is not present in population databases (ExAC no frequency). This variant has been reported in an individual affected with Sotos syndrome (PMID: 16232326). Loss-of-function variants in NSD1 are known to be pathogenic (PMID: 12464997, 14571271, 15942875, 16247291). For these reasons, this variant has been classified as Pathogenic.

Literature cited by the submitters: PubMed 12464997; PubMed 14571271; PubMed 15942875; PubMed 16247291; PubMed 16232326.

NM_022455.5(NSD1):c.2334dup (p.His779fs)

Gene: NSD1 (nuclear receptor binding SET domain protein 1; plus strand). Cytogenetic location: 5q35.3.
Variant type: Duplication.
Coding change: c.2334dup on transcript NM_022455.5 (MANE Select); coding-DNA position 2334, one base duplicated (A; older notation c.2334dupA).
Protein change: p.His779fs; shifts the reading frame from histidine 779.
Molecular consequence: frameshift variant.
Genome position (GRCh38, 1-based): chr5:177,210,733, A duplicated. VCF-style (leftmost placement, unchanged base first): chr5-177210732-T-TA. GRCh37 (hg19) VCF-style: chr5-176637733-T-TA.
Other names: c.2334dupA (NM_022455.4); c.1461dup, p.His488Thrfs (NM_001365684.2, NM_001409306.1, NM_001409307.1 and 3 more transcripts); c.2334dup, p.His779Thrfs (NM_001409301.1, NM_001409302.1, NM_001409303.1); c.1914dup, p.His639Thrfs (NM_001409304.1); c.1581dup, p.His528Thrfs (NM_001409305.1); short protein forms H510fs, H779fs.
Identifiers: ClinVar variation 524715 (VCV000524715.8), dbSNP rs1554189512, ClinGen allele CA658796683.